The following is an entry in ClinVar:

ClinVar aggregate classification (germline): Likely benign. Review status: criteria provided, multiple submitters, no conflicts (2 of 4 stars). 2 submissions from 2 submitters: Likely benign (2). Last evaluated 2025-02-24.

Conditions:
Breast-ovarian cancer, familial, susceptibility to, 4. Identifiers: Orphanet 145, MedGen C3280345, MONDO:0013669, OMIM 614291.

Allele frequency attached by ClinVar (database versions not stated): gnomAD exomes below 0.00001; ExAC 0.00001.

Submissions (2):

Myriad Genetics, Inc.
Classification: Likely benign for Breast-ovarian cancer, familial, susceptibility to, 4. Last evaluated: 2025-02-24. Review status: criteria provided, single submitter. Criteria: Myriad Autosomal Dominant, Autosomal Recessive and X-Linked Classification Criteria (2023). Collection method: clinical testing. Allele origin: unknown.
Comment: This variant is considered likely benign. This variant is intronic and is not expected to impact mRNA splicing.

Labcorp Genetics (formerly Invitae), Labcorp
Classification: Likely benign for Breast-ovarian cancer, familial, susceptibility to, 4. Last evaluated: 2024-11-15. Review status: criteria provided, single submitter. Criteria: Invitae Variant Classification Sherloc (09022015). Collection method: clinical testing. Allele origin: germline.

NM_002878.4(RAD51D):c.739-19A>G

Genes: RAD51L3-RFFL (RAD51L3-RFFL readthrough; minus strand), RAD51D (RAD51 paralog D; minus strand). Cytogenetic location: 17q12.
Variant type: single nucleotide variant.
Coding change: c.739-19A>G on transcript NM_002878.4 (MANE Select); 19 bases into the intron before coding-DNA position 739, A replaced by G.
Molecular consequence: intron variant.
Genome position (GRCh38, 1-based): chr17:35,101,384, T>C on the plus strand (A>G on the coding strand, the complement: RAD51D is on the minus strand). VCF-style: chr17-35101384-T-C. GRCh37 (hg19) VCF-style: chr17-33428403-T-C.
Other names: c.403-19A>G (NM_133629.3); c.799-19A>G (NM_001142571.2).
Identifiers: ClinVar variation 2845571 (VCV002845571.4), dbSNP rs746701739, ClinGen allele CA8499355.